The following is an entry in ClinVar:

NM_001082538.3(TCTN1):c.687del (p.Leu230fs)

Gene: TCTN1 (tectonic family member 1; plus strand). Cytogenetic location: 12q24.11.
Variant type: Deletion.
Coding change: c.687del on transcript NM_001082538.3 (MANE Select); coding-DNA position 687, one base deleted (T; older notation c.687delT).
Protein change: p.Leu230fs; shifts the reading frame from leucine 230.
Molecular consequence: frameshift variant. On other transcripts: non-coding transcript variant (1).
Genome position (GRCh38, 1-based): chr12:110,632,534, T deleted. VCF-style (leftmost placement, unchanged base first): chr12-110632533-CT-C. GRCh37 (hg19) VCF-style: chr12-111070338-CT-C.
Other names: c.687del, p.Leu230fs (NM_001082537.3, NM_001319680.2, NM_024549.6); c.519del, p.Leu174fs (NM_001173975.3); c.507del, p.Leu170fs (NM_001173976.2); c.153del, p.Leu52fs (NM_001319681.2); short protein forms L170fs, L174fs, L230fs, L52fs.
Identifiers: ClinVar variation 5019088 (VCV005019088.2).

ClinVar aggregate classification (germline): Likely pathogenic (1 of 4 stars; one submission).

Conditions:
Joubert syndrome 13 (JBTS13). Identifiers: Orphanet 475, MedGen C3280031, MONDO:0013608, OMIM 614173.

Submission:

Juno Genomics, Hangzhou Juno Genomics, Inc
Classification: Likely pathogenic for Joubert syndrome 13. Review status: criteria provided, single submitter. Criteria: ACMG Guidelines, 2015. Collection method: clinical testing. Allele origin: germline.
Comment: Absent from controls (or at extremely low frequency if recessive) in Genome Aggregation Database.;Null variant in a gene where loss of function (LOF) is a known mechanism of disease.